The following is an entry in ClinVar:

ClinVar aggregate classification (germline): Uncertain significance. Review status: criteria provided, multiple submitters, no conflicts (2 of 4 stars). 4 submissions from 4 submitters: Uncertain significance (4). Last evaluated 2025-11-25.

Conditions:
Inborn genetic diseases. Identifiers: MedGen C0950123, MeSH D030342.
Maple syrup urine disease (MSUD). Identifiers: Orphanet 511, MedGen C0024776, MeSH D008375, MONDO:0009563. Disease mechanism: loss of function.

Allele frequency attached by ClinVar (database versions not stated): gnomAD exomes 0.00001 and 0.00002; TOPMed 0.00002; ExAC 0.00003; gnomAD 0.00003 and 0.00004; ESP Exome Variant Server 0.00008.

Submissions (4):

Ambry Genetics
Classification: Uncertain significance for Inborn genetic diseases. Last evaluated: 2025-11-25. Review status: criteria provided, single submitter. Criteria: Ambry Variant Classification Scheme 2023. Collection method: clinical testing. Allele origin: germline.

Labcorp Genetics (formerly Invitae), Labcorp
Classification: Uncertain significance for Maple syrup urine disease. Last evaluated: 2022-08-05. Review status: criteria provided, single submitter. Criteria: Invitae Variant Classification Sherloc (09022015). Collection method: clinical testing. Allele origin: germline.
Comment: This sequence change replaces alanine, which is neutral and non-polar, with threonine, which is neutral and polar, at codon 146 of the BCKDHA protein (p.Ala146Thr). This variant is present in population databases (rs373078413, gnomAD 0.006%). This variant has not been reported in the literature in individuals affected with BCKDHA-related conditions. ClinVar contains an entry for this variant (Variation ID: 329362). Advanced modeling of protein sequence and biophysical properties (such as structural, functional, and spatial information, amino acid conservation, physicochemical variation, residue mobility, and thermodynamic stability) performed at Invitae indicates that this missense variant is expected to disrupt BCKDHA protein function. In summary, the available evidence is currently insufficient to determine the role of this variant in disease. Therefore, it has been classified as a Variant of Uncertain Significance.

Blueprint Genetics
Classification: Uncertain significance. Last evaluated: 2019-02-05. Review status: criteria provided, single submitter. Criteria: ACMG Guidelines, 2015. Collection method: clinical testing. Allele origin: germline.

Illumina Laboratory Services, Illumina
Classification: Uncertain significance for Maple syrup urine disease type 1A. Last evaluated: 2018-01-12. Review status: criteria provided, single submitter. Criteria: ICSL Variant Classification Criteria 13 December 2019. Collection method: clinical testing. Allele origin: germline.

NM_000709.4(BCKDHA):c.436G>A (p.Ala146Thr)

Gene: BCKDHA (branched chain keto acid dehydrogenase E1 subunit alpha; plus strand). Cytogenetic location: 19q13.2.
Variant type: single nucleotide variant.
Coding change: c.436G>A on transcript NM_000709.4 (MANE Select); coding-DNA position 436, G replaced by A.
Protein change: p.Ala146Thr; replaces alanine 146 with threonine.
Molecular consequence: missense variant.
Genome position (GRCh38, 1-based): chr19:41,414,109, G>A. VCF-style: chr19-41414109-G-A. GRCh37 (hg19) VCF-style: chr19-41920014-G-A.
Other names: c.436G>A, p.Ala146Thr (NM_001164783.2); short protein forms A146T.
Identifiers: ClinVar variation 329362 (VCV000329362.8), dbSNP rs373078413, ClinGen allele CA9461141.
Genomic context (GRCh38, chr19:41,414,109, plus strand): 5'-GGCCGGATCTCCTTCTACATGACCAACTATGGTGAGGAGGGCACGCACGTGGGGAGTGCC[G>A]CCGCCCTGGACAACACGGACCTGGTGTTTGGCCAGTACCGGGAGGCAGGTACGTCTGTCC-3'
Protein context (NP_000700.1, residues 136-156): GEEGTHVGSA[Ala146Thr]ALDNTDLVFG